The following is an entry in ClinVar:

ClinVar aggregate classification (germline): Benign/Likely benign. Review status: criteria provided, multiple submitters, no conflicts (2 of 4 stars). 5 submissions from 5 submitters: Benign (1); Likely benign (4). Last evaluated 2025-02-11.

Conditions:
Hereditary cancer-predisposing syndrome. Also called: Neoplastic Syndromes, Hereditary; Tumor predisposition; Hereditary neoplastic syndrome; Hereditary Cancer Syndrome. Identifiers: Orphanet 140162, MedGen C0027672, MeSH D009386, MONDO:0015356.
Familial adenomatous polyposis 1 (FAP1). Also called: POLYPOSIS, ADENOMATOUS INTESTINAL; FAMILIAL ADENOMATOUS POLYPOSIS 1, ATTENUATED. Identifiers: MedGen C2713442, MONDO:0021056, OMIM 175100. Disease mechanism: loss of function.

Allele frequency attached by ClinVar (database versions not stated): gnomAD exomes below 0.00001 and 0.00001; ExAC 0.00001; gnomAD 0.00001; TOPMed 0.00001.
gnomAD v4.1: 4 of 1,613,968 alleles (0.00025%); highest among the groups gnomAD compares: African/African-American, 0.0013%; no homozygotes.

Submissions (5):

Labcorp Genetics (formerly Invitae), Labcorp
Classification: Likely benign for Familial adenomatous polyposis 1. Last evaluated: 2025-02-11. Review status: criteria provided, single submitter. Criteria: Invitae Variant Classification Sherloc (09022015). Collection method: clinical testing. Allele origin: germline.

Institute for Biomarker Research, Medical Diagnostic Laboratories, L.L.C.
Classification: Likely benign for Hereditary cancer-predisposing syndrome. Last evaluated: 2025-02-06. Review status: criteria provided, single submitter. Criteria: ACMG Guidelines, 2015. Collection method: clinical testing. Allele origin: germline.
Comment: The synonymous variant NM_000038.6(APC):c.375T>C (p.Asn125=) has been reported to ClinVar as Benign/Likely benign with a status of (2 stars) criteria provided, multiple submitters, no conflicts (VarThe p.Asn125= variant is not predicted to disrupt an existing splice site. The p.Asn125= variant results in a substitution of a base that is not predicted conserved by GERP++ and PhyloP. For these reasons, this variant has been classified as Likely Benign.

Myriad Genetics, Inc.
Classification: Benign for Familial adenomatous polyposis 1. Last evaluated: 2024-02-23. Review status: criteria provided, single submitter. Criteria: Myriad Autosomal Dominant, Autosomal Recessive and X-Linked Classification Criteria (2023). Collection method: clinical testing. Allele origin: unknown.
Comment: This variant is considered benign. This variant is a silent/synonymous amino acid change and it is not expected to impact splicing.

Color Diagnostics, LLC DBA Color Health
Classification: Likely benign for Hereditary cancer-predisposing syndrome. Last evaluated: 2022-05-31. Review status: criteria provided, single submitter. Criteria: ACMG Guidelines, 2015. Collection method: clinical testing. Allele origin: germline.

Ambry Genetics
Classification: Likely benign for Hereditary cancer-predisposing syndrome. Last evaluated: 2019-05-03. Review status: criteria provided, single submitter. Criteria: Ambry Variant Classification Scheme 2023. Collection method: clinical testing. Allele origin: germline.

NM_000038.6(APC):c.375T>C (p.Asn125=)

Gene: APC (APC regulator of Wnt signaling pathway; plus strand). Cytogenetic location: 5q22.2.
Variant type: single nucleotide variant.
Coding change: c.375T>C on transcript NM_000038.6 (MANE Select); coding-DNA position 375, T replaced by C.
Protein change: p.Asn125=; no amino-acid change (asparagine 125 retained).
Molecular consequence: synonymous variant. On other transcripts: 5 prime UTR variant (1).
Genome position (GRCh38, 1-based): chr5:112,767,343, T>C. VCF-style: chr5-112767343-T-C. GRCh37 (hg19) VCF-style: chr5-112103040-T-C.
Other names: c.375T>C, p.Asn125= (NM_001127510.3, NM_001354895.2, NM_001354896.2 and 2 more transcripts); c.405T>C, p.Asn135= (NM_001127511.3, NM_001354897.2, NM_001354902.2); c.300T>C, p.Asn100= (NM_001354898.2, NM_001354904.2); c.198T>C, p.Asn66= (NM_001354900.2, NM_001354901.2, NM_001354905.2); c.-661T>C (NM_001354906.2).
Identifiers: ClinVar variation 824169 (VCV000824169.55), dbSNP rs768615558, ClinGen allele CA036577.
Genomic context (GRCh38, chr5:112,767,343, plus strand): 5'-CCGTTCTGGAGAGTGCAGTCCTGTTCCTATGGGTTCATTTCCAAGAAGAGGGTTTGTAAA[T>C]GGAAGCAGAGAAAGTACTGGATATTTAGAAGAACTTGAGAAAGAGAGGTAACTTTTCTTC-3'
Protein context (NP_000029.2, residues 115-135): MGSFPRRGFV[Asn125=]GSRESTGYLE